The following is an entry in ClinVar:

ClinVar aggregate classification (germline): Uncertain significance (1 of 4 stars; one submission).

Conditions:
Cardiovascular phenotype. Identifiers: MedGen CN230736.

gnomAD v4.1: 1 of 1,614,130 alleles (0.000062%); no homozygotes.

Submission:

Ambry Genetics
Classification: Uncertain significance for Cardiovascular phenotype. Last evaluated: 2025-03-13. Review status: criteria provided, single submitter. Criteria: Ambry Variant Classification Scheme 2023. Collection method: clinical testing. Allele origin: germline.
Comment: The p.H2386R variant (also known as c.7157A>G), located in coding exon 31 of the AKAP9 gene, results from an A to G substitution at nucleotide position 7157. The histidine at codon 2386 is replaced by arginine, an amino acid with highly similar properties. This amino acid position is conserved. In addition, this alteration is predicted to be tolerated by in silico analysis. Based on the available evidence, the clinical significance of this variant remains unclear.

NM_005751.5(AKAP9):c.7157A>G (p.His2386Arg)

Gene: AKAP9 (A-kinase anchoring protein 9; plus strand). Cytogenetic location: 7q21.2.
Variant type: single nucleotide variant.
Coding change: c.7157A>G on transcript NM_005751.5 (MANE Select); coding-DNA position 7157, A replaced by G.
Protein change: p.His2386Arg; replaces histidine 2386 with arginine.
Molecular consequence: missense variant.
Genome position (GRCh38, 1-based): chr7:92,079,290, A>G. VCF-style: chr7-92079290-A-G. GRCh37 (hg19) VCF-style: chr7-91708604-A-G.
Other names: c.1802A>G, p.His601Arg (NM_001379277.1); c.7133A>G, p.His2378Arg (NM_147185.3); short protein forms H2378R, H2386R, H601R.
Identifiers: ClinVar variation 3849063 (VCV003849063.1).
Genomic context (GRCh38, chr7:92,079,290, plus strand): 5'-TTGGACAGAAGACATCAATGAATGCTCATTCCCTCTCAGAAGAAGCAGACAGTTTAAAAC[A>G]TCAATTGGATGTGGTTATAGCTGAAAAGCTGGCCTTGGAACAGCAAGTAGAAACCGCTAA-3'
Protein context (NP_005742.4, residues 2376-2396): SLSEEADSLK[His2386Arg]QLDVVIAEKL